The following is an entry in ClinVar:

NM_006939.4(SOS2):c.1792A>G (p.Ile598Val)

Gene: SOS2 (SOS Ras/Rho guanine nucleotide exchange factor 2; minus strand). Cytogenetic location: 14q21.3.
Variant type: single nucleotide variant.
Coding change: c.1792A>G on transcript NM_006939.4 (MANE Select); coding-DNA position 1792, A replaced by G.
Protein change: p.Ile598Val; replaces isoleucine 598 with valine.
Molecular consequence: missense variant.
Genome position (GRCh38, 1-based): chr14:50,159,491, T>C on the plus strand (A>G on the coding strand, the complement: SOS2 is on the minus strand). VCF-style: chr14-50159491-T-C. GRCh37 (hg19) VCF-style: chr14-50626209-T-C.
Other names: c.1693A>G, p.Ile565Val (NM_001411020.1); short protein forms I565V, I598V.
Identifiers: ClinVar variation 4755071 (VCV004755071.1).

ClinVar aggregate classification (germline): Uncertain significance (1 of 4 stars; one submission).

Conditions:
Noonan syndrome 9 (NS9). Identifiers: Orphanet 648, MedGen C4225282, MONDO:0014691, OMIM 616559.

gnomAD v4.1: 1 of 1,612,844 alleles (0.000062%); highest among the groups gnomAD compares: Non-Finnish European, 0.000085%; no homozygotes.

Submission:

Labcorp Genetics (formerly Invitae), Labcorp
Classification: Uncertain significance for Noonan syndrome 9. Last evaluated: 2025-08-26. Review status: criteria provided, single submitter. Criteria: Invitae Variant Classification Sherloc (09022015). Collection method: clinical testing. Allele origin: germline.
Comment: This sequence change replaces isoleucine, which is neutral and non-polar, with valine, which is neutral and non-polar, at codon 598 of the SOS2 protein (p.Ile598Val). This variant is not present in population databases (gnomAD no frequency). This variant has not been reported in the literature in individuals affected with SOS2-related conditions. Invitae Evidence Modeling of protein sequence and biophysical properties (such as structural, functional, and spatial information, amino acid conservation, physicochemical variation, residue mobility, and thermodynamic stability) indicates that this missense variant is not expected to disrupt SOS2 protein function with a negative predictive value of 95%. In summary, the available evidence is currently insufficient to determine the role of this variant in disease. Therefore, it has been classified as a Variant of Uncertain Significance.